The following is an entry in ClinVar:

NM_006904.7(PRKDC):c.9069C>A (p.Asn3023Lys)

Gene: PRKDC (protein kinase, DNA-activated, catalytic subunit; minus strand). Cytogenetic location: 8q11.21.
Variant type: single nucleotide variant.
Coding change: c.9069C>A on transcript NM_006904.7 (MANE Select); coding-DNA position 9069, C replaced by A.
Protein change: p.Asn3023Lys; replaces asparagine 3023 with lysine.
Molecular consequence: missense variant.
Genome position (GRCh38, 1-based): chr8:47,821,646, G>T on the plus strand (C>A on the coding strand, the complement: PRKDC is on the minus strand). VCF-style: chr8-47821646-G-T. GRCh37 (hg19) VCF-style: chr8-48734207-G-T.
Other names: c.9069C>A, p.Asn3023Lys (NM_001081640.2); short protein forms N3023K.
Identifiers: ClinVar variation 1765638 (VCV001765638.2), dbSNP rs372872388, ClinGen allele CA371140346.

ClinVar aggregate classification (germline): Uncertain significance (1 of 4 stars; one submission).

Submission:

Ambry Genetics
Classification: Uncertain significance. Last evaluated: 2022-03-07. Review status: criteria provided, single submitter. Criteria: Ambry Variant Classification Scheme 2023. Collection method: clinical testing. Allele origin: germline.
Comment: The p.N3023K variant (also known as c.9069C>A), located in coding exon 65 of the PRKDC gene, results from a C to A substitution at nucleotide position 9069. The asparagine at codon 3023 is replaced by lysine, an amino acid with similar properties. This amino acid position is conserved. In addition, this alteration is predicted to be tolerated by in silico analysis. Since supporting evidence is limited at this time, the clinical significance of this alteration remains unclear.